The following is an entry in ClinVar:

NM_000051.4(ATM):c.8659_8662del (p.Val2886_His2887insTer)

Genes: ATM (ATM serine/threonine kinase; plus strand), C11orf65 (chromosome 11 open reading frame 65; minus strand). Cytogenetic location: 11q22.3.
Variant type: Deletion.
Coding change: c.8659_8662del on transcript NM_000051.4 (MANE Select); coding-DNA positions 8659 to 8662, 4 bases deleted (CATA; older notation c.8659_8662delCATA).
Protein change: p.Val2886_His2887insTer.
Molecular consequence: nonsense. On other transcripts: intron variant (2).
Genome position (GRCh38, 1-based): chr11:108,347,353-108,347,356, CATA deleted; deleting any 4 consecutive bases within chr11:108,347,351-108,347,356 gives the same sequence; the c. name uses the placement nearest the transcript's 3' end. VCF-style (leftmost placement, unchanged base first): chr11-108347350-GTACA-G. GRCh37 (hg19) VCF-style: chr11-108218077-GTACA-G.
Other names: c.8659_8662del, p.Val2886_His2887insTer (NM_001351834.2); c.641-38283_641-38280del (NM_001330368.2); c.695-12062_695-12059del (NM_001351110.2).
Identifiers: ClinVar variation 3148147 (VCV003148147.1), dbSNP rs2547462407, ClinGen allele CA2825001985.

ClinVar aggregate classification (germline): Pathogenic (1 of 4 stars; one submission).

Conditions:
Familial cancer of breast. Also called: hereditary breast carcinoma; BREAST CANCER, FAMILIAL; Hereditary breast cancer. Identifiers: Orphanet 227535, MedGen C0346153, MONDO:0016419, OMIM 114480. Disease mechanism: loss of function.

Submission:

Myriad Genetics, Inc.
Classification: Pathogenic for Familial cancer of breast. Last evaluated: 2024-02-05. Review status: criteria provided, single submitter. Criteria: Myriad Autosomal Dominant, Autosomal Recessive and X-Linked Classification Criteria (2023). Collection method: clinical testing. Allele origin: unknown.
Comment: This variant is considered pathogenic. This variant creates a termination codon and is predicted to result in premature protein truncation.